The following is an entry in ClinVar:

ClinVar aggregate classification (germline): Benign (1 of 4 stars; one submission).

Allele frequency attached by ClinVar (database versions not stated): gnomAD 0.15617 and 0.16473; 1000 Genomes Project 0.17212; TOPMed 0.14065; 1000 Genomes Project 30x 0.16162.

Submission:

GeneDx
Classification: Benign. Last evaluated: 2018-06-19. Review status: criteria provided, single submitter. Criteria: GeneDx Variant Classification (06012015). Collection method: clinical testing. Allele origin: germline. Affected: yes.
Comment: This variant is considered likely benign or benign based on one or more of the following criteria: it is a conservative change, it occurs at a poorly conserved position in the protein, it is predicted to be benign by multiple in silico algorithms, and/or has population frequency not consistent with disease.

NM_000089.3(COL1A2):c.-698C>A

Gene: COL1A2 (collagen type I alpha 2 chain; plus strand). Cytogenetic location: 7q21.3.
Variant type: single nucleotide variant.
Coding change: c.-698C>A on transcript NM_000089.3; 698 bases upstream of the start codon, C replaced by A.
Genome position (GRCh38, 1-based): chr7:94,394,334, C>A. VCF-style: chr7-94394334-C-A. GRCh37 (hg19) VCF-style: chr7-94023646-C-A.
Identifiers: ClinVar variation 683354 (VCV000683354.3), dbSNP rs390201, ClinGen allele CA12543648.
Genomic context (GRCh38, chr7:94,394,334, plus strand): 5'-GAGTGCATCACTGCTGAAACAGTGGGCGCACACGAGCCCCAAAGCTAGAGAAAAGCTGGA[C>A]GGGGCTGGGGGCGGGGTGCAGGGGTGGAGGGGCGGGGAGGCGGGCTCCGGCTGCGCCACG-3'